The following is an entry in ClinVar:

ClinVar aggregate classification (germline): Uncertain significance. Review status: criteria provided, multiple submitters, no conflicts (2 of 4 stars). 3 submissions from 3 submitters: Uncertain significance (3). Last evaluated 2023-08-04.

Conditions:
Inborn genetic diseases. Identifiers: MedGen C0950123, MeSH D030342.

Allele frequency attached by ClinVar (database versions not stated): ExAC 0.00006; gnomAD exomes 0.00007; TOPMed 0.00011; gnomAD 0.00012 and 0.00013.
gnomAD v4.1: 50 of 1,567,414 alleles (0.0032%); highest among the groups gnomAD compares: Admixed American, 0.047%; no homozygotes.

Submissions (3):

Labcorp Genetics (formerly Invitae), Labcorp
Classification: Uncertain significance. Last evaluated: 2023-08-04. Review status: criteria provided, single submitter. Criteria: Invitae Variant Classification Sherloc (09022015). Collection method: clinical testing. Allele origin: germline.
Comment: This sequence change replaces glycine, which is neutral and non-polar, with serine, which is neutral and polar, at codon 904 of the OBSL1 protein (p.Gly904Ser). This variant is present in population databases (rs751351118, gnomAD 0.03%). This variant has not been reported in the literature in individuals affected with OBSL1-related conditions. ClinVar contains an entry for this variant (Variation ID: 1314165). Algorithms developed to predict the effect of missense changes on protein structure and function output the following: SIFT: "Not Available"; PolyPhen-2: "Benign"; Align-GVGD: "Not Available". The serine amino acid residue is found in multiple mammalian species, which suggests that this missense change does not adversely affect protein function. Algorithms developed to predict the effect of sequence changes on RNA splicing suggest that this variant may create or strengthen a splice site. In summary, the available evidence is currently insufficient to determine the role of this variant in disease. Therefore, it has been classified as a Variant of Uncertain Significance.

Ambry Genetics
Classification: Uncertain significance for Inborn genetic diseases. Last evaluated: 2021-07-09. Review status: criteria provided, single submitter. Criteria: Ambry Variant Classification Scheme 2023. Collection method: clinical testing. Allele origin: germline.

GeneDx
Classification: Uncertain significance. Last evaluated: 2020-02-18. Review status: criteria provided, single submitter. Criteria: GeneDx Variant Classification Process June 2021. Collection method: clinical testing. Allele origin: germline. Affected: yes.
Comment: In silico analysis supports that this missense variant does not alter protein structure/function; Has not been previously published as pathogenic or benign to our knowledge

NM_015311.3(OBSL1):c.2710G>A (p.Gly904Ser)

Gene: OBSL1 (obscurin like cytoskeletal adaptor 1; minus strand). Cytogenetic location: 2q35.
Variant type: single nucleotide variant.
Coding change: c.2710G>A on transcript NM_015311.3 (MANE Select); coding-DNA position 2710, G replaced by A.
Protein change: p.Gly904Ser; replaces glycine 904 with serine.
Molecular consequence: missense variant.
Genome position (GRCh38, 1-based): chr2:219,562,645, C>T on the plus strand (G>A on the coding strand, the complement: OBSL1 is on the minus strand). VCF-style: chr2-219562645-C-T. GRCh37 (hg19) VCF-style: chr2-220427367-C-T.
Other names: c.2710G>A, p.Gly904Ser (NM_001173408.2, NM_001173431.2); short protein forms G904S.
Identifiers: ClinVar variation 1314165 (VCV001314165.6), dbSNP rs751351118, ClinGen allele CA2131111.
Genomic context (GRCh38, chr2:219,562,645, plus strand): 5'-GGCATAGCTCACAGGTCAGCACCACACGCTCCAGGCGCACGGCTGCCACATACACCTTGC[C>T]GCTGGGATACACGATCCACGAGGAGACGTCTGGAGGACAGGGACAGCCACTGCCGGGCAT-3'
Protein context (NP_056126.1, residues 894-914): DVSSWIVYPS[Gly904Ser]KVYVAAVRLE